The following is an entry in ClinVar:

NM_198578.4(LRRK2):c.875A>T (p.His292Leu)

Gene: LRRK2 (leucine rich repeat kinase 2; plus strand). Cytogenetic location: 12q12.
Variant type: single nucleotide variant.
Coding change: c.875A>T on transcript NM_198578.4 (MANE Select); coding-DNA position 875, A replaced by T.
Protein change: p.His292Leu; replaces histidine 292 with leucine.
Molecular consequence: missense variant.
Genome position (GRCh38, 1-based): chr12:40,249,862, A>T. VCF-style: chr12-40249862-A-T. GRCh37 (hg19) VCF-style: chr12-40643664-A-T.
Other names: short protein forms H292L.
Identifiers: ClinVar variation 3291912 (VCV003291912.1).

ClinVar aggregate classification (germline): Uncertain significance (1 of 4 stars; one submission).

Conditions:
Inborn genetic diseases. Identifiers: MedGen C0950123, MeSH D030342.

Submission:

Ambry Genetics
Classification: Uncertain significance for Inborn genetic diseases. Last evaluated: 2024-05-23. Review status: criteria provided, single submitter. Criteria: Ambry Variant Classification Scheme 2023. Collection method: clinical testing. Allele origin: germline.
Comment: The p.H292L variant (also known as c.875A>T), located in coding exon 8 of the LRRK2 gene, results from an A to T substitution at nucleotide position 875. The histidine at codon 292 is replaced by leucine, an amino acid with similar properties. This amino acid position is conserved. In addition, the in silico prediction for this alteration is inconclusive. Based on the available evidence, the clinical significance of this variant remains unclear.